The following is an entry in ClinVar:

NM_001303.4(COX10):c.*1267A>G

Gene: COX10 (cytochrome c oxidase assembly factor heme A:farnesyltransferase COX10; plus strand). Cytogenetic location: 17p12.
Variant type: single nucleotide variant.
Coding change: c.*1267A>G on transcript NM_001303.4 (MANE Select); 1267 bases downstream of the stop codon, A replaced by G.
Molecular consequence: 3 prime UTR variant.
Genome position (GRCh38, 1-based): chr17:14,208,480, A>G. VCF-style: chr17-14208480-A-G. GRCh37 (hg19) VCF-style: chr17-14111797-A-G.
Identifiers: ClinVar variation 888725 (VCV000888725.5), dbSNP rs75844637, ClinGen allele CA288082058.

ClinVar aggregate classification (germline): Conflicting classifications of pathogenicity. Review status: criteria provided, conflicting classifications (1 of 4 stars). 3 submissions from 2 submitters: Uncertain significance (1); Likely benign (2). Last evaluated 2021-05-25.

Conditions:
Leigh syndrome (NULS). Also called: Leigh's syndrome; Leigh Disease; Subacute necrotizing encephalopathy; Necrotizing encephalopathy infantile subacute of Leigh; LEIGH SYNDROME, NUCLEAR; Leigh's necrotizing encephalopathy. Identifiers: Orphanet 506, MedGen C2931891, MONDO:0009723, OMIM 256000.
Mitochondrial complex IV deficiency, nuclear type 1 (MC4DN1). Also called: COX DEFICIENCY; Mitochondrial complex IV deficiency; Complex 4 mitochondrial respiratory chain deficiency; Deficiency of mitochondrial respiratory chain complex4; Complex IV deficiency. Identifiers: MedGen C5435656, MONDO:0700250, OMIM 220110. Disease mechanism: loss of function.

Allele frequency attached by ClinVar (database versions not stated): 1000 Genomes Project 30x 0.00828; 1000 Genomes Project 0.00859; TOPMed 0.01368; gnomAD 0.01606 and 0.01645.

Submissions (3):

GeneDx
Classification: Likely benign. Last evaluated: 2021-05-25. Review status: criteria provided, single submitter. Criteria: GeneDx Variant Classification Process June 2021. Collection method: clinical testing. Allele origin: germline. Affected: yes.

Illumina Laboratory Services, Illumina
Classification: Uncertain significance for Mitochondrial complex IV deficiency, nuclear type 1. Last evaluated: 2018-01-13. Review status: criteria provided, single submitter. Criteria: ICSL Variant Classification Criteria 13 December 2019. Collection method: clinical testing. Allele origin: germline.

Illumina Laboratory Services, Illumina
Classification: Likely benign for Leigh syndrome. Last evaluated: 2018-01-13. Review status: criteria provided, single submitter. Criteria: ICSL Variant Classification Criteria 13 December 2019. Collection method: clinical testing. Allele origin: germline.
Comment: This variant was observed in the ICSL laboratory as part of a predisposition screen in an ostensibly healthy population. It had not been previously curated by ICSL or reported in the Human Gene Mutation Database (HGMD: prior to June 1st, 2018), and was therefore a candidate for classification through an automated scoring system. Utilizing variant allele frequency, disease prevalence and penetrance estimates, and inheritance mode, an automated score was calculated to assess if this variant is too frequent to cause the disease. Based on the score and internal cut-off values, a variant classified as likely benign is not then subjected to further curation. The score for this variant resulted in a classification of likely benign for this disease.